The following is an entry in ClinVar:

ClinVar aggregate classification (germline): Uncertain significance (1 of 4 stars; one submission).

gnomAD v4.1: 1 of 1,287,062 alleles (0.000078%); highest among the groups gnomAD compares: Admixed American, 0.0043%; no homozygotes.

Submission:

GeneDx
Classification: Uncertain significance. Last evaluated: 2024-03-25. Review status: criteria provided, single submitter. Criteria: GeneDx Variant Classification Process June 2021. Collection method: clinical testing. Allele origin: germline. Affected: yes.
Comment: Has not been previously published as pathogenic or benign to our knowledge; Not observed at significant frequency in large population cohorts (gnomAD); In silico analysis supports that this missense variant does not alter protein structure/function

NM_005257.6(GATA6):c.667C>T (p.Pro223Ser)

Gene: GATA6 (GATA binding protein 6; plus strand). Cytogenetic location: 18q11.2.
Variant type: single nucleotide variant.
Coding change: c.667C>T on transcript NM_005257.6 (MANE Select); coding-DNA position 667, C replaced by T.
Protein change: p.Pro223Ser; replaces proline 223 with serine.
Molecular consequence: missense variant.
Genome position (GRCh38, 1-based): chr18:22,171,811, C>T. VCF-style: chr18-22171811-C-T. GRCh37 (hg19) VCF-style: chr18-19751772-C-T.
Other names: short protein forms P223S.
Identifiers: ClinVar variation 3371568 (VCV003371568.1).